The following is an entry in ClinVar:

ClinVar aggregate classification (germline): Uncertain significance. Review status: criteria provided, multiple submitters, no conflicts (2 of 4 stars). 2 submissions from 2 submitters: Uncertain significance (2). Last evaluated 2022-06-28.

Conditions:
Inborn genetic diseases. Identifiers: MedGen C0950123, MeSH D030342.
Charcot-Marie-Tooth disease type 4. Also called: Charcot-Marie-Tooth disease, type IV; Charcot-Marie-Tooth, Type 4. Identifiers: Orphanet 64749, MedGen C4082197, MONDO:0018995.

Allele frequency attached by ClinVar (database versions not stated): TOPMed below 0.00001; gnomAD exomes 0.00001; ExAC 0.00002.
gnomAD v4.1: 8 of 1,613,138 alleles (0.0005%); highest among the groups gnomAD compares: Middle Eastern, 0.017%; no homozygotes.

Submissions (2):

Labcorp Genetics (formerly Invitae), Labcorp
Classification: Uncertain significance for Charcot-Marie-Tooth disease type 4. Last evaluated: 2022-06-28. Review status: criteria provided, single submitter. Criteria: Invitae Variant Classification Sherloc (09022015). Collection method: clinical testing. Allele origin: germline.
Comment: This sequence change falls in intron 20 of the FIG4 gene. It does not directly change the encoded amino acid sequence of the FIG4 protein. It affects a nucleotide within the consensus splice site. This variant is present in population databases (rs754210462, gnomAD 0.01%). This variant has not been reported in the literature in individuals affected with FIG4-related conditions. Variants that disrupt the consensus splice site are a relatively common cause of aberrant splicing (PMID: 17576681, 9536098). Algorithms developed to predict the effect of sequence changes on RNA splicing suggest that this variant is not likely to affect RNA splicing. In summary, the available evidence is currently insufficient to determine the role of this variant in disease. Therefore, it has been classified as a Variant of Uncertain Significance.

Ambry Genetics
Classification: Uncertain significance for Inborn genetic diseases. Last evaluated: 2020-03-20. Review status: criteria provided, single submitter. Criteria: Ambry Variant Classification Scheme 2023. Collection method: clinical testing. Allele origin: germline.
Comment: The c.2376+4C>T intronic variant results from a C to T substitution 4 nucleotides after coding exon 20 in the FIG4 gene. This nucleotide position is poorly conserved in available vertebrate species. Using the BDGP and ESEfinder splice site prediction tools, this alteration is not predicted to have any significant effect on this splice donor site; however, direct evidence is unavailable. Since supporting evidence is limited at this time, the clinical significance of this alteration remains unclear.

Literature cited by the submitters: PubMed 17576681 (cited by Labcorp Genetics (formerly Invitae), Labcorp); PubMed 9536098 (cited by Labcorp Genetics (formerly Invitae), Labcorp).

NM_014845.6(FIG4):c.2376+4C>T

Gene: FIG4 (FIG4 phosphoinositide 5-phosphatase; plus strand). Cytogenetic location: 6q21.
Variant type: single nucleotide variant.
Coding change: c.2376+4C>T on transcript NM_014845.6 (MANE Select); 4 bases into the intron after coding-DNA position 2376, C replaced by T.
Molecular consequence: intron variant.
Genome position (GRCh38, 1-based): chr6:109,791,575, C>T. VCF-style: chr6-109791575-C-T. GRCh37 (hg19) VCF-style: chr6-110112778-C-T.
Identifiers: ClinVar variation 1790351 (VCV001790351.4), dbSNP rs754210462, ClinGen allele CA3956361.